The following is an entry in ClinVar:

ClinVar aggregate classification (germline): Conflicting classifications of pathogenicity. Review status: criteria provided, conflicting classifications (1 of 4 stars). 2 submissions from 2 submitters: Uncertain significance (1); Likely benign (1). Last evaluated 2025-08-13.

Allele frequency attached by ClinVar (database versions not stated): ExAC 0.00002; gnomAD exomes 0.00003; TOPMed 0.00003; gnomAD 0.00004; ESP Exome Variant Server 0.00008.
gnomAD v4.1: 52 of 1,613,938 alleles (0.0032%); highest among the groups gnomAD compares: East Asian, 0.0067%; no homozygotes.

Submissions (2):

Labcorp Genetics (formerly Invitae), Labcorp
Classification: Likely benign. Last evaluated: 2025-08-13. Review status: criteria provided, single submitter. Criteria: Invitae Variant Classification Sherloc (09022015). Collection method: clinical testing. Allele origin: germline.

Women's Health and Genetics/Laboratory Corporation of America, LabCorp
Classification: Uncertain significance. Last evaluated: 2025-05-16. Review status: criteria provided, single submitter. Criteria: LabCorp Variant Classification Summary - May 2015. Collection method: clinical testing. Allele origin: germline.
Comment: Variant summary: ABCG8 c.1127+14C>T alters a non-conserved nucleotide located at a position not widely known to affect splicing. Several computational tools predict a significant impact on normal splicing: One predict the variant strengthens a cryptic 5' donor site. Three predict the variant creates a cryptic 5' donor site. However, these predictions have yet to be confirmed by functional studies. The variant allele was found at a frequency of 2.8e-05 in 251132 control chromosomes. The available data on variant occurrences in the general population are insufficient to allow any conclusion about variant significance. c.1127+14C>T has been observed in individual(s) affected with hypercholesterolemic phenotype (example: Reeskamp_2020) These report(s) do not provide unequivocal conclusions about association of the variant with Early Onset Coronary Artery Disease. To our knowledge, no experimental evidence demonstrating an impact on protein function has been reported. The following publication has been ascertained in the context of this evaluation (PMID: 32088153). ClinVar contains an entry for this variant (Variation ID: 2141148). Based on the evidence outlined above, the variant was classified as uncertain significance.

Literature cited by the submitters: PubMed 32088153 (cited by Women's Health and Genetics/Laboratory Corporation of America, LabCorp).

NM_022437.3(ABCG8):c.1127+14C>T

Gene: ABCG8 (ATP binding cassette subfamily G member 8; plus strand). Cytogenetic location: 2p21.
Variant type: single nucleotide variant.
Coding change: c.1127+14C>T on transcript NM_022437.3 (MANE Select); 14 bases into the intron after coding-DNA position 1127, C replaced by T.
Molecular consequence: intron variant.
Genome position (GRCh38, 1-based): chr2:43,872,152, C>T. VCF-style: chr2-43872152-C-T. GRCh37 (hg19) VCF-style: chr2-44099291-C-T.
Other names: c.1127+14C>T (NM_001357321.2).
Identifiers: ClinVar variation 2141148 (VCV002141148.5), dbSNP rs377097108, ClinGen allele CA1637292.